The following is an entry in ClinVar:

NM_000038.6(APC):c.646-2105G>T

Gene: APC (APC regulator of WNT signaling pathway; plus strand). Cytogenetic location: 5q22.2.
Variant type: single nucleotide variant.
Coding change: c.646-2105G>T on transcript NM_000038.6 (MANE Select); 2105 bases into the intron before coding-DNA position 646, G replaced by T.
Molecular consequence: intron variant.
Genome position (GRCh38, 1-based): chr5:112,790,341, G>T. VCF-style: chr5-112790341-G-T. GRCh37 (hg19) VCF-style: chr5-112126038-G-T.
Other names: c.646-2105G>T (NM_001354895.2, NM_001127510.3, NM_001354896.2 and 1 more transcripts); c.676-2105G>T (NM_001354897.2, NM_001354902.2); c.675+9438G>T (NM_001127511.3); c.571-2105G>T (NM_001354898.2, NM_001354904.2); c.-390-2105G>T (NM_001354906.2); c.645+9438G>T (NM_001354899.2); c.469-2105G>T (NM_001354900.2, NM_001354901.2, NM_001354905.2).
Identifiers: ClinVar variation 82992 (VCV000082992.2), dbSNP rs76817424, ClinGen allele CA011718.

ClinVar aggregate classification (germline): other (0 of 4 stars; one submission).

Conditions:
Familial colorectal cancer. Identifiers: MedGen CN280943, MONDO:0023113. Disease mechanism: loss of function.

Submission:

Systems Biology Platform Zhejiang California International NanoSystems Institute
Classification: other for Familial colorectal cancer. Review status: no assertion criteria provided. Collection method: not provided. Allele origin: unknown.
ClinVar note: Converted during submission from cancer to other.